The following is an entry in ClinVar:

NM_147127.5(EVC2):c.454_460del (p.Gly152fs)

Gene: EVC2 (EvC ciliary complex subunit 2; minus strand). Cytogenetic location: 4p16.2.
Variant type: Deletion.
Coding change: c.454_460del on transcript NM_147127.5 (MANE Select); coding-DNA positions 454 to 460, 7 bases deleted (GGGGACA; older notation c.454_460delGGGGACA).
Protein change: p.Gly152fs; shifts the reading frame from glycine 152.
Molecular consequence: frameshift variant.
Genome position (GRCh38, 1-based): chr4:5,691,324-5,691,330, TGTCCCC deleted on the plus strand (GGGGACA on the coding strand, the reverse complement: EVC2 is on the minus strand). VCF-style (leftmost placement, unchanged base first): chr4-5691323-ATGTCCCC-A. GRCh37 (hg19) VCF-style: chr4-5693050-ATGTCCCC-A.
Other names: c.214_220del, p.Gly72fs (NM_001166136.2); short protein forms G152fs, G72fs.
Identifiers: ClinVar variation 5006782 (VCV005006782.2).

ClinVar aggregate classification (germline): Likely pathogenic (1 of 4 stars; one submission).

Conditions:
Ellis-van Creveld syndrome (EVC). Also called: Chondroectodermal dysplasia; MESOECTODERMAL DYSPLASIA. Identifiers: Orphanet 289, MedGen C0013903, MONDO:0009162, OMIM 225500.

Submission:

Juno Genomics, Hangzhou Juno Genomics, Inc
Classification: Likely pathogenic for Ellis-van Creveld syndrome. Review status: criteria provided, single submitter. Criteria: ACMG Guidelines, 2015. Collection method: clinical testing. Allele origin: germline.
Comment: Null variant in a gene where loss of function (LOF) is a known mechanism of disease.;Absent from controls (or at extremely low frequency if recessive) in Genome Aggregation Database.